The following is an entry in ClinVar:

NM_004667.6(HERC2):c.7543G>A (p.Asp2515Asn)

Gene: HERC2 (HECT and RLD domain containing E3 ubiquitin protein ligase 2; minus strand). Cytogenetic location: 15q13.1.
Variant type: single nucleotide variant.
Coding change: c.7543G>A on transcript NM_004667.6 (MANE Select); coding-DNA position 7543, G replaced by A.
Protein change: p.Asp2515Asn; replaces aspartic acid 2515 with asparagine.
Molecular consequence: missense variant.
Genome position (GRCh38, 1-based): chr15:28,202,187, C>T on the plus strand (G>A on the coding strand, the complement: HERC2 is on the minus strand). VCF-style: chr15-28202187-C-T. GRCh37 (hg19) VCF-style: chr15-28447333-C-T.
Other names: short protein forms D2515N.
Identifiers: ClinVar variation 4883122 (VCV004883122.2).
Genomic context (GRCh38, chr15:28,202,187, plus strand): 5'-CATCATCCACGTCCTCCACCACCTCCTCGTCAGAATACTCGTCGGACACCGTGTCTGCAT[C>T]TGAGAGCTCCGTGACCTGTATGTCGGAGTGGTCCAGCAGCCACCCGACCAAGGCTTCCAC-3'
Protein context (NP_004658.3, residues 2505-2525): HSDIQVTELS[Asp2515Asn]ADTVSDEYSD

ClinVar aggregate classification (germline): Uncertain significance (1 of 4 stars; one submission).

Conditions:
Developmental delay with autism spectrum disorder and gait instability (MRT38). Also called: Intellectual developmental disorder, autosomal recessive 38. Identifiers: Orphanet 329195, MedGen C3809753, MONDO:0014224, OMIM 615516.

Submission:

Dasa
Classification: Uncertain significance for Developmental delay with autism spectrum disorder and gait instability. Last evaluated: 2025-07-01. Review status: criteria provided, single submitter. Criteria: DASA Assertion Criteria. Collection method: clinical testing. Allele origin: germline.
Comment: NM_004667.6(HERC2):c.7543G>A (p.Asp2515Asn) is a missense variant that results in the substitution of aspartic acid with asparagine. This variant is absent from population databases. The currently available literature and clinical evidence are not sufficient to establish a definitive association between this variant and the reported condition. Therefore, this variant is classified as a variant of uncertain significance.